The following is an entry in ClinVar:

NM_001048174.2(MUTYH):c.1451A>T (p.Gln484Leu)

Gene: MUTYH (mutY DNA glycosylase; minus strand). Cytogenetic location: 1p34.1.
Variant type: single nucleotide variant.
Coding change: c.1451A>T on transcript NM_001048174.2 (MANE Select); coding-DNA position 1451, A replaced by T.
Protein change: p.Gln484Leu; replaces glutamine 484 with leucine.
Molecular consequence: missense variant. On other transcripts: non-coding transcript variant (7).
Genome position (GRCh38, 1-based): chr1:45,329,421, T>A on the plus strand (A>T on the coding strand, the complement: MUTYH is on the minus strand). VCF-style: chr1-45329421-T-A. GRCh37 (hg19) VCF-style: chr1-45795093-T-A.
Other names: c.1454A>T, p.Gln485Leu (NM_001407078.1, NM_001407086.1, NM_001048172.2 and 1 more transcripts); c.1412A>T, p.Gln471Leu (NM_001407079.1); c.1409A>T, p.Gln470Leu (NM_001407080.1); c.1451A>T, p.Gln484Leu (NM_001407081.1, NM_001407088.1, NM_001407089.1 and 6 more transcripts); c.1106A>T, p.Gln369Leu (NM_001407082.1, NM_001350650.2, NM_001350651.2); c.1493A>T, p.Gln498Leu (NM_001407083.1, NM_001407085.1); c.1472A>T, p.Gln491Leu (NM_001407087.1); c.1175A>T, p.Gln392Leu (NM_001407091.1, NM_001293192.2, NM_001293196.2); and 5 more; short protein forms Q470L, Q484L, Q485L, Q499L, Q369L, Q456L, Q491L, Q392L.
Identifiers: ClinVar variation 4113337 (VCV004113337.1).

ClinVar aggregate classification (germline): Uncertain significance (1 of 4 stars; one submission).

Conditions:
Hereditary cancer-predisposing syndrome. Also called: Tumor predisposition; Neoplastic Syndromes, Hereditary; Hereditary neoplastic syndrome; Hereditary Cancer Syndrome. Identifiers: Orphanet 140162, MedGen C0027672, MeSH D009386, MONDO:0015356.

Submission:

Ambry Genetics
Classification: Uncertain significance for Hereditary cancer-predisposing syndrome. Last evaluated: 2025-08-27. Review status: criteria provided, single submitter. Criteria: Ambry Variant Classification Scheme 2023. Collection method: clinical testing. Allele origin: germline.
Comment: The p.Q512L variant (also known as c.1535A>T), located in coding exon 16 of the MUTYH gene, results from an A to T substitution at nucleotide position 1535. The glutamine at codon 512 is replaced by leucine, an amino acid with dissimilar properties. This amino acid position is conserved. In addition, this alteration is predicted to be tolerated by in silico analysis. Based on the available evidence, the clinical significance of this variant remains unclear.